The following is an entry in ClinVar:

NM_001190738.2(NFIB):c.108+5G>A

Gene: NFIB (nuclear factor I B; minus strand). Cytogenetic location: 9p22.3.
Variant type: single nucleotide variant.
Coding change: c.108+5G>A on transcript NM_001190738.2; 5 bases into the intron after coding-DNA position 108, G replaced by A.
Molecular consequence: intron variant.
Genome position (GRCh38, 1-based): chr9:14,398,519, C>T on the plus strand (G>A on the coding strand, the complement: NFIB is on the minus strand). VCF-style: chr9-14398519-C-T. GRCh37 (hg19) VCF-style: chr9-14398518-C-T.
Other names: c.97-90999G>A (NM_001369468.1, NM_001369462.1, NM_001369459.1 and 1 more transcripts).
Identifiers: ClinVar variation 5001677 (VCV005001677.1).

ClinVar aggregate classification (germline): Uncertain significance (1 of 4 stars; one submission).

Conditions:
NFIB-related disorder. Also called: NFIB-related condition.

Submission:

PreventionGenetics, part of Exact Sciences
Classification: Uncertain significance for NFIB-related condition. Last evaluated: 2024-12-18. Review status: criteria provided, single submitter. Criteria: ACMG Guidelines, 2015. Collection method: clinical testing. Allele origin: germline.
Comment: The NFIB c.108+5G>A variant is predicted to interfere with splicing. This variant is predicted to disrupt splicing by an in silico algorithm (SpliceAI, Jaganathan K, et al. 2019. PubMed ID: 30661751). To our knowledge, this variant has not been reported in the literature or in a large population database (gnomAD), indicating it is rare. At this time, the clinical significance of this variant is uncertain due to the absence of conclusive functional and genetic evidence.